The following is an entry in ClinVar:

ClinVar aggregate classification (germline): Uncertain significance (1 of 4 stars; one submission).

Conditions:
Cowden syndrome 6 (CWS6). Identifiers: Orphanet 201, MedGen C3554519, MONDO:0014048, OMIM 615109.

Allele frequency attached by ClinVar (database versions not stated): gnomAD exomes below 0.00001; gnomAD 0.00001; 1000 Genomes Project 30x 0.00016; 1000 Genomes Project 0.00020.

Submission:

Labcorp Genetics (formerly Invitae), Labcorp
Classification: Uncertain significance for Cowden syndrome 6. Last evaluated: 2020-07-29. Review status: criteria provided, single submitter. Criteria: Invitae Variant Classification Sherloc (09022015). Collection method: clinical testing. Allele origin: germline.
Comment: This variant is not present in population databases (ExAC no frequency). This sequence change replaces alanine with threonine at codon 399 of the AKT1 protein (p.Ala399Thr). The alanine residue is moderately conserved and there is a small physicochemical difference between alanine and threonine. This variant has not been reported in the literature in individuals with AKT1-related disease. Algorithms developed to predict the effect of missense changes on protein structure and function are either unavailable or do not agree on the potential impact of this missense change (SIFT: "Deleterious"; PolyPhen-2: "Possibly Damaging"; Align-GVGD: "Class C0"). In summary, the available evidence is currently insufficient to determine the role of this variant in disease. Therefore, it has been classified as a Variant of Uncertain Significance.

NM_001382430.1(AKT1):c.1195G>A (p.Ala399Thr)

Gene: AKT1 (AKT serine/threonine kinase 1; minus strand). Cytogenetic location: 14q32.33.
Variant type: single nucleotide variant.
Coding change: c.1195G>A on transcript NM_001382430.1 (MANE Select); coding-DNA position 1195, G replaced by A.
Protein change: p.Ala399Thr; replaces alanine 399 with threonine.
Molecular consequence: missense variant.
Genome position (GRCh38, 1-based): chr14:104,772,430, C>T on the plus strand (G>A on the coding strand, the complement: AKT1 is on the minus strand). VCF-style: chr14-104772430-C-T. GRCh37 (hg19) VCF-style: chr14-105238767-C-T.
Other names: c.1195G>A, p.Ala399Thr (NM_001014431.2, NM_001014432.2, NM_001382431.1 and 3 more transcripts); short protein forms A399T.
Identifiers: ClinVar variation 640033 (VCV000640033.9), dbSNP rs188580689, ClinGen allele CA267348821.